The following is an entry in ClinVar:

ClinVar aggregate classification (germline): Pathogenic (1 of 4 stars; one submission).

Submission:

GeneDx
Classification: Pathogenic. Last evaluated: 2025-03-10. Review status: criteria provided, single submitter. Criteria: GeneDx Variant Classification Process June 2021. Collection method: clinical testing. Allele origin: germline. Affected: yes.
Comment: Apparently de novo variant in a patient with epilepsy in the published literature (PMID: 31487502); Frameshift variant predicted to result in protein truncation or nonsense mediated decay in a gene for which loss of function is a known mechanism of disease; Not observed at significant frequency in large population cohorts (gnomAD); This variant is associated with the following publications: (PMID: 31487502)

NM_172107.4(KCNQ2):c.406del (p.Val136fs)

Gene: KCNQ2 (potassium voltage-gated channel subfamily Q member 2; minus strand). Cytogenetic location: 20q13.33.
Variant type: Deletion.
Coding change: c.406del on transcript NM_172107.4 (MANE Select); coding-DNA position 406, one base deleted (G; older notation c.406delG).
Protein change: p.Val136fs; shifts the reading frame from valine 136.
Molecular consequence: frameshift variant.
Genome position (GRCh38, 1-based): chr20:63,445,346, C deleted on the plus strand (G on the coding strand, the reverse complement: KCNQ2 is on the minus strand); the first of 2 consecutive C bases (chr20:63,445,346-63,445,347); deleting either gives the same sequence. VCF-style (leftmost placement, unchanged base first): chr20-63445345-AC-A. GRCh37 (hg19) VCF-style: chr20-62076698-AC-A.
Other names: c.406del, p.Val136fs (NM_001382235.1, NM_001439003.1, NM_001439004.1 and 4 more transcripts); short protein forms V136fs.
Identifiers: ClinVar variation 4083389 (VCV004083389.1).